The following is an entry in ClinVar:

ClinVar aggregate classification (germline): Pathogenic (1 of 4 stars; one submission).

Conditions:
Baller-Gerold syndrome (BGS). Also called: CRANIOSYNOSTOSIS WITH RADIAL DEFECTS. Identifiers: Orphanet 1225, MedGen C0265308, MONDO:0009039, OMIM 218600.

Submission:

Labcorp Genetics (formerly Invitae), Labcorp
Classification: Pathogenic for Baller-Gerold syndrome. Last evaluated: 2023-05-03. Review status: criteria provided, single submitter. Criteria: Invitae Variant Classification Sherloc (09022015). Collection method: clinical testing. Allele origin: germline.
Comment: This variant is not present in population databases (gnomAD no frequency). This variant has not been reported in the literature in individuals affected with RECQL4-related conditions. For these reasons, this variant has been classified as Pathogenic. This sequence change creates a premature translational stop signal (p.Ala551Profs*7) in the RECQL4 gene. It is expected to result in an absent or disrupted protein product. Loss-of-function variants in RECQL4 are known to be pathogenic (PMID: 12734318, 12952869).

Literature cited by the submitters: PubMed 12734318; PubMed 12952869.

NM_004260.4(RECQL4):c.1651del (p.Ala551fs)

Gene: RECQL4 (RecQ like helicase 4; minus strand). Cytogenetic location: 8q24.3.
Variant type: Deletion.
Coding change: c.1651del on transcript NM_004260.4 (MANE Select); coding-DNA position 1651, one base deleted (G; older notation c.1651delG).
Protein change: p.Ala551fs; shifts the reading frame from alanine 551.
Molecular consequence: frameshift variant. On other transcripts: non-coding transcript variant (3).
Genome position (GRCh38, 1-based): chr8:144,514,495, C deleted on the plus strand (G on the coding strand, the reverse complement: RECQL4 is on the minus strand); the first of 2 consecutive C bases (chr8:144,514,495-144,514,496); deleting either gives the same sequence. VCF-style (leftmost placement, unchanged base first): chr8-144514494-GC-G. GRCh37 (hg19) VCF-style: chr8-145739878-GC-G.
Other names: c.1555del, p.Ala519fs (NM_001413017.1, NM_001413020.1); c.1651del, p.Ala551fs (NM_001413018.1, NM_001413019.1, NM_001413033.1 and 1 more transcripts); c.580del, p.Ala194fs (NM_001413021.1, NM_001413022.1, NM_001413023.1 and 7 more transcripts); c.1522del, p.Ala508fs (NM_001413025.1); c.514del, p.Ala172fs (NM_001413027.1, NM_001413030.1, NM_001413031.1 and 2 more transcripts); c.1300del, p.Ala434fs (NM_001413029.1); c.1621del, p.Ala541fs (NM_001413039.1); c.550del, p.Ala184fs (NM_001413042.1); and 1 more; short protein forms A184fs, A434fs, A508fs, A194fs, A551fs, A62fs, A172fs, A519fs.
Identifiers: ClinVar variation 2861501 (VCV002861501.3), dbSNP rs2538045216, ClinGen allele CA2739269075.
Genomic context (GRCh38, chr8:144,514,494, plus strand): 5'-GCCCCCACCTTCTGCAGGACAGATTCCCGTTGCTTCCTGGTCATGCCCGAGTGTATGCAG[GC>G]CGCCTTGAGACACGGTGGCAGGCCAGACACCTGCAAATGCAGGAGCGACAGCCGTCATAC-3'